The following is an entry in ClinVar:

ClinVar aggregate classification (germline): Uncertain significance. Review status: criteria provided, multiple submitters, no conflicts (2 of 4 stars). 2 submissions from 2 submitters: Uncertain significance (2). Last evaluated 2024-10-11.

Allele frequency attached by ClinVar (database versions not stated): gnomAD 0.00001; gnomAD exomes 0.00001; TOPMed 0.00005.
gnomAD v4.1: 4 of 1,589,704 alleles (0.00025%); highest among the groups gnomAD compares: Admixed American, 0.0034%; no homozygotes.

Submissions (2):

Ambry Genetics
Classification: Uncertain significance. Last evaluated: 2024-10-11. Review status: criteria provided, single submitter. Criteria: Ambry Variant Classification Scheme 2023. Collection method: clinical testing. Allele origin: germline.

Labcorp Genetics (formerly Invitae), Labcorp
Classification: Uncertain significance. Last evaluated: 2024-01-11. Review status: criteria provided, single submitter. Criteria: Invitae Variant Classification Sherloc (09022015). Collection method: clinical testing. Allele origin: germline.
Comment: This sequence change replaces proline, which is neutral and non-polar, with leucine, which is neutral and non-polar, at codon 65 of the SUCO protein (p.Pro65Leu). This variant is not present in population databases (gnomAD no frequency). This variant has not been reported in the literature in individuals affected with SUCO-related conditions. An algorithm developed to predict the effect of missense changes on protein structure and function (PolyPhen-2) suggests that this variant is likely to be tolerated. In summary, the available evidence is currently insufficient to determine the role of this variant in disease. Therefore, it has been classified as a Variant of Uncertain Significance.

NM_014283.5(SUCO):c.194C>T (p.Pro65Leu)

Gene: SUCO (SUN domain containing ossification factor; plus strand). Cytogenetic location: 1q24.3.
Variant type: single nucleotide variant.
Coding change: c.194C>T on transcript NM_014283.5 (MANE Select); coding-DNA position 194, C replaced by T.
Protein change: p.Pro65Leu; replaces proline 65 with leucine.
Molecular consequence: missense variant. On other transcripts: 5 prime UTR variant (1), intron variant (2).
Genome position (GRCh38, 1-based): chr1:172,553,276, C>T. VCF-style: chr1-172553276-C-T. GRCh37 (hg19) VCF-style: chr1-172522416-C-T.
Other names: c.194C>T (NM_014283.3); c.-1336C>T (NM_001282751.2); c.762+1650C>T (NM_016227.4); c.177+1650C>T (NM_001282750.2); short protein forms P65L.
Identifiers: ClinVar variation 2752947 (VCV002752947.4), dbSNP rs898764990, ClinGen allele CA32733504.
Genomic context (GRCh38, chr1:172,553,276, plus strand): 5'-TAAAACAGTTTTATCAGGTGATTTTTGTTGTTGTTGTTATATAGGATGAAAGAGAGGGAC[C>T]TATCAATGCCGAATCATTGGGAAAATCAGGTTCAAATTTACCTATTTCTCCAAAAGAACA-3'
Protein context (NP_055098.1, residues 55-75): QFQKKDEREG[Pro65Leu]INAESLGKSG